The following is an entry in ClinVar:

NM_003737.4(DCHS1):c.7846C>A (p.Pro2616Thr)

Gene: DCHS1 (dachsous cadherin-related 1; minus strand). Cytogenetic location: 11p15.4.
Variant type: single nucleotide variant.
Coding change: c.7846C>A on transcript NM_003737.4 (MANE Select); coding-DNA position 7846, C replaced by A.
Protein change: p.Pro2616Thr; replaces proline 2616 with threonine.
Molecular consequence: missense variant.
Genome position (GRCh38, 1-based): chr11:6,623,830, G>T on the plus strand (C>A on the coding strand, the complement: DCHS1 is on the minus strand). VCF-style: chr11-6623830-G-T. GRCh37 (hg19) VCF-style: chr11-6645061-G-T.
Other names: c.7846C>A (NM_003737.3); short protein forms P2616T.
Identifiers: ClinVar variation 3237436 (VCV003237436.2), dbSNP rs150354113.
Genomic context (GRCh38, chr11:6,623,830, plus strand): 5'-GGCCATGAGGGCCAGGGTCAGCGTCAGAGGCCTCTACATGCAGCAGCTCAGCTCCAACAG[G>T]TGTGTCCTCAGGTACTGTCACACGGTAGGATGCTCGGGTAAAGACAGGTGGGTTGTCATT-3'
Protein context (NP_003728.1, residues 2606-2626): SYRVTVPEDT[Pro2616Thr]VGAELLHVEA

ClinVar aggregate classification (germline): Uncertain significance. Review status: criteria provided, multiple submitters, no conflicts (2 of 4 stars). 2 submissions from 2 submitters: Uncertain significance (2). Last evaluated 2024-12-06.

Conditions:
Van Maldergem syndrome 1 (VMLDS1). Also called: Van Maldergem syndrome 1 (VMLDS1). Identifiers: Orphanet 314679, MedGen C4551950, MONDO:0011070, OMIM 601390.
DCHS1-related disorder. Also called: DCHS1-related condition.

gnomAD v4.1: 5 of 1,613,486 alleles (0.00031%); highest among the groups gnomAD compares: African/African-American, 0.0067%; no homozygotes.

Submissions (2):

PreventionGenetics, part of Exact Sciences
Classification: Uncertain significance for DCHS1-related condition. Last evaluated: 2024-12-06. Review status: criteria provided, single submitter. Criteria: ACMG Guidelines, 2015. Collection method: clinical testing. Allele origin: germline.
Comment: The DCHS1 c.7846C>A variant is predicted to result in the amino acid substitution p.Pro2616Thr. To our knowledge, this variant has not been reported in the literature. This variant is reported in 0.011% of alleles in individuals of African descent in gnomAD. At this time, the clinical significance of this variant is uncertain due to the absence of conclusive functional and genetic evidence.

Clinical Genomics Laboratory, Washington University in St. Louis
Classification: Uncertain significance for Van Maldergem syndrome 1. Last evaluated: 2024-04-19. Review status: criteria provided, single submitter. Criteria: ACMG Guidelines, 2015. Collection method: clinical testing. Allele origin: germline.
Comment: A DCHS1 c.7846C>A (p.Pro2616Thr) variant was identified at a near heterozygous allelic fraction of 49.6%, a frequency which may be consistent with it being of germline origin. This variant, to our knowledge, has not been reported in the medical literature. This variant is only observed on 5/1,613,486 alleles in the general population (gnomAD v.4.0.0), indicating it is not a common variant. Computational predictors suggest that the variant does not impact DCHS1 function. Due to limited information and based on ACMG/AMP guidelines for variant interpretation (Richards S et al., PMID: 25741868), the clinical significance of this variant is uncertain at this time.